The following is an entry in ClinVar:

ClinVar aggregate classification (germline): Uncertain significance (1 of 4 stars; one submission).

Conditions:
EGFR-related lung cancer (EGFR). Identifiers: MedGen CN130014.

Submission:

Labcorp Genetics (formerly Invitae), Labcorp
Classification: Uncertain significance for EGFR-related lung cancer. Last evaluated: 2021-04-23. Review status: criteria provided, single submitter. Criteria: Invitae Variant Classification Sherloc (09022015). Collection method: clinical testing. Allele origin: germline.
Comment: This variant is not present in population databases (ExAC no frequency). This sequence change replaces glutamic acid with valine at codon 697 of the EGFR protein (p.Glu697Val). The glutamic acid residue is moderately conserved and there is a moderate physicochemical difference between glutamic acid and valine. This variant has not been reported in the literature in individuals with EGFR-related conditions. In summary, the available evidence is currently insufficient to determine the role of this variant in disease. Therefore, it has been classified as a Variant of Uncertain Significance. Algorithms developed to predict the effect of missense changes on protein structure and function (SIFT, PolyPhen-2, Align-GVGD) all suggest that this variant is likely to be tolerated, but these predictions have not been confirmed by published functional studies and their clinical significance is uncertain.

NM_005228.5(EGFR):c.2090A>T (p.Glu697Val)

Gene: EGFR (epidermal growth factor receptor; plus strand). Cytogenetic location: 7p11.2.
Variant type: single nucleotide variant.
Coding change: c.2090A>T on transcript NM_005228.5 (MANE Select); coding-DNA position 2090, A replaced by T.
Protein change: p.Glu697Val; replaces glutamic acid 697 with valine.
Molecular consequence: missense variant.
Genome position (GRCh38, 1-based): chr7:55,173,949, A>T. VCF-style: chr7-55173949-A-T. GRCh37 (hg19) VCF-style: chr7-55241642-A-T.
Other names: c.1955A>T, p.Glu652Val (NM_001346897.2, NM_001346899.2); c.2090A>T, p.Glu697Val (NM_001346898.2); c.1931A>T, p.Glu644Val (NM_001346900.2); c.1289A>T, p.Glu430Val (NM_001346941.2); short protein forms E430V, E652V, E644V, E697V.
Identifiers: ClinVar variation 1500045 (VCV001500045.8), dbSNP rs2128953554, ClinGen allele CA367583469.